The following is an entry in ClinVar:

ClinVar aggregate classification (germline): Pathogenic/Likely pathogenic. Review status: criteria provided, multiple submitters, no conflicts (2 of 4 stars). 2 submissions from 2 submitters: Pathogenic (1); Likely pathogenic (1). Last evaluated 2023-05-22.

Conditions:
CACNA1F-related disorder. Also called: CACNA1F-related condition.

Submissions (2):

Labcorp Genetics (formerly Invitae), Labcorp
Classification: Pathogenic. Last evaluated: 2023-05-22. Review status: criteria provided, single submitter. Criteria: Invitae Variant Classification Sherloc (09022015). Collection method: clinical testing. Allele origin: germline.
Comment: This sequence change creates a premature translational stop signal (p.Gln391*) in the CACNA1F gene. It is expected to result in an absent or disrupted protein product. Loss-of-function variants in CACNA1F are known to be pathogenic (PMID: 9662399, 11281458, 17525176, 22194652, 24124559, 26992781). This variant is not present in population databases (gnomAD no frequency). This variant has not been reported in the literature in individuals affected with CACNA1F-related conditions. ClinVar contains an entry for this variant (Variation ID: 2027091). For these reasons, this variant has been classified as Pathogenic.

Blueprint Genetics
Classification: Likely pathogenic for CACNA1F-related disorders. Last evaluated: 2019-10-02. Review status: criteria provided, single submitter. Criteria: ACMG Guidelines, 2015. Collection method: clinical testing. Allele origin: germline. Affected: yes. Observed: 1 variant allele.

Literature cited by the submitters: PubMed 9662399 (cited by Labcorp Genetics (formerly Invitae), Labcorp); PubMed 11281458 (cited by Labcorp Genetics (formerly Invitae), Labcorp); PubMed 17525176 (cited by Labcorp Genetics (formerly Invitae), Labcorp); PubMed 22194652 (cited by Labcorp Genetics (formerly Invitae), Labcorp); PubMed 24124559 (cited by Labcorp Genetics (formerly Invitae), Labcorp); PubMed 26992781 (cited by Labcorp Genetics (formerly Invitae), Labcorp).

NM_001256789.3(CACNA1F):c.1171C>T (p.Gln391Ter)

Gene: CACNA1F (calcium voltage-gated channel subunit alpha1 F; minus strand). Cytogenetic location: Xp11.23.
Variant type: single nucleotide variant.
Coding change: c.1171C>T on transcript NM_001256789.3 (MANE Select); coding-DNA position 1171, C replaced by T.
Protein change: p.Gln391Ter; replaces glutamine 391 with a stop codon.
Molecular consequence: nonsense.
Genome position (GRCh38, 1-based): chrX:49,227,075, G>A on the plus strand (C>T on the coding strand, the complement: CACNA1F is on the minus strand). VCF-style: chrX-49227075-G-A. GRCh37 (hg19) VCF-style: chrX-49083537-G-A.
Other names: c.976C>T, p.Gln326Ter (NM_001256790.3); c.1171C>T, p.Gln391Ter (NM_005183.4); short protein forms Q326*, Q391*.
Identifiers: ClinVar variation 2027091 (VCV002027091.5), dbSNP rs2519128240, ClinGen allele CA412919159.